The following is an entry in ClinVar:

ClinVar aggregate classification (germline): Uncertain significance (1 of 4 stars; one submission).

Submission:

GeneDx
Classification: Uncertain significance. Last evaluated: 2024-05-30. Review status: criteria provided, single submitter. Criteria: GeneDx Variant Classification Process June 2021. Collection method: clinical testing. Allele origin: germline. Affected: yes.
Comment: Not observed at significant frequency in large population cohorts (gnomAD); In silico analysis supports that this missense variant has a deleterious effect on protein structure/function; Has not been previously published as pathogenic or benign to our knowledge

NM_000875.5(IGF1R):c.1386G>C (p.Met462Ile)

Gene: IGF1R (insulin like growth factor 1 receptor; plus strand). Cytogenetic location: 15q26.3.
Variant type: single nucleotide variant.
Coding change: c.1386G>C on transcript NM_000875.5 (MANE Select); coding-DNA position 1386, G replaced by C.
Protein change: p.Met462Ile; replaces methionine 462 with isoleucine.
Molecular consequence: missense variant.
Genome position (GRCh38, 1-based): chr15:98,908,823, G>C. VCF-style: chr15-98908823-G-C. GRCh37 (hg19) VCF-style: chr15-99452052-G-C.
Other names: c.1386G>C, p.Met462Ile (NM_001291858.2); short protein forms M462I.
Identifiers: ClinVar variation 3383660 (VCV003383660.1).